The following is an entry in ClinVar:

ClinVar aggregate classification (germline): Uncertain significance (1 of 4 stars; one submission).

Conditions:
Pitt-Hopkins-like syndrome 2 (PTHSL2). Identifiers: Orphanet 221150, Orphanet 600663, MedGen C3280479, MONDO:0013690, OMIM 614325.

Allele frequency attached by ClinVar (database versions not stated): gnomAD exomes below 0.00001; gnomAD 0.00001; TOPMed 0.00001.
gnomAD v4.1: 3 of 1,613,724 alleles (0.00019%); highest among the groups gnomAD compares: African/African-American, 0.004%; no homozygotes.

Submission:

Labcorp Genetics (formerly Invitae), Labcorp
Classification: Uncertain significance for Pitt-Hopkins-like syndrome 2. Last evaluated: 2025-09-27. Review status: criteria provided, single submitter. Criteria: Invitae Variant Classification Sherloc (09022015). Collection method: clinical testing. Allele origin: germline.
Comment: This sequence change replaces alanine, which is neutral and non-polar, with threonine, which is neutral and polar, at codon 605 of the NRXN1 protein (p.Ala605Thr). This variant is present in population databases (no rsID available, gnomAD 0.007%). This variant has not been reported in the literature in individuals affected with NRXN1-related conditions. ClinVar contains an entry for this variant (Variation ID: 961777). An algorithm developed to predict the effect of missense changes on protein structure and function (PolyPhen-2) suggests that this variant is likely to be disruptive. In summary, the available evidence is currently insufficient to determine the role of this variant in disease. Therefore, it has been classified as a Variant of Uncertain Significance.

NM_001330078.2(NRXN1):c.1693G>A (p.Ala565Thr)

Gene: NRXN1 (neurexin 1; minus strand). Cytogenetic location: 2p16.3.
Variant type: single nucleotide variant.
Coding change: c.1693G>A on transcript NM_001330078.2 (MANE Select); coding-DNA position 1693, G replaced by A.
Protein change: p.Ala565Thr; replaces alanine 565 with threonine.
Molecular consequence: missense variant.
Genome position (GRCh38, 1-based): chr2:50,552,653, C>T on the plus strand (G>A on the coding strand, the complement: NRXN1 is on the minus strand). VCF-style: chr2-50552653-C-T. GRCh37 (hg19) VCF-style: chr2-50779791-C-T.
Other names: c.1813G>A, p.Ala605Thr (NM_001135659.3); c.1669G>A, p.Ala557Thr (NM_001330077.2, NM_001330082.2, NM_001330095.2); c.1654G>A, p.Ala552Thr (NM_001330083.2, NM_001330084.2); c.1693G>A, p.Ala565Thr (NM_001330085.2, NM_001330086.2, NM_004801.6); c.1609G>A, p.Ala537Thr (NM_001330087.2, NM_001330096.2); c.1639G>A, p.Ala547Thr (NM_001330088.2); c.1690G>A, p.Ala564Thr (NM_001330093.2); c.1681G>A, p.Ala561Thr (NM_001330094.2); short protein forms A537T, A557T, A561T, A565T, A605T, A547T, A552T, A564T.
Identifiers: ClinVar variation 961777 (VCV000961777.9), dbSNP rs896061877, ClinGen allele CA47332534.
Genomic context (GRCh38, chr2:50,552,653, plus strand): 5'-GTCCGTCTCTCTGGAAGTCCACATGATACCATTCTCCATCATTCACTTTCTTCAACAGGG[C>T]TTTTATTTTTATAGTACCTGACCCCATGTCCAGGAGGAGGTAGAGGTGGCCATCTAGCAT-3'
Protein context (NP_001317007.1, residues 555-575): DMGSGTIKIK[Ala565Thr]LLKKVNDGEW